The following is an entry in ClinVar:

NM_000038.6(APC):c.3026del (p.His1009fs)

Gene: APC (APC regulator of Wnt signaling pathway; plus strand). Cytogenetic location: 5q22.2.
Variant type: Deletion.
Coding change: c.3026del on transcript NM_000038.6 (MANE Select); coding-DNA position 3026, one base deleted (A; older notation c.3026delA).
Protein change: p.His1009fs; shifts the reading frame from histidine 1009.
Molecular consequence: frameshift variant.
Genome position (GRCh38, 1-based): chr5:112,838,620, A deleted. VCF-style (leftmost placement, unchanged base first): chr5-112838619-CA-C. GRCh37 (hg19) VCF-style: chr5-112174316-CA-C.
Other names: c.3026del, p.His1009fs (NM_001127510.3, NM_001354895.2); c.2972del, p.His991fs (NM_001127511.3); c.3080del, p.His1027fs (NM_001354896.2); c.3056del, p.His1019fs (NM_001354897.2); c.2951del, p.His984fs (NM_001354898.2); c.2942del, p.His981fs (NM_001354899.2); c.2903del, p.His968fs (NM_001354900.2); c.2849del, p.His950fs (NM_001354901.2); and 5 more; short protein forms H1009fs, H1019fs, H1027fs, H726fs, H849fs, H883fs, H908fs, H918fs.
Identifiers: ClinVar variation 1050476 (VCV001050476.1), dbSNP rs2149882615, ClinGen allele CA2499217468.

ClinVar aggregate classification (germline): Pathogenic (0 of 4 stars; one submission).

Conditions:
Carcinoma of colon (CRC). Also called: Colonic carcinoma; Colon carcinoma. Identifiers: MedGen C0699790, MONDO:0002032.

Submission:

Department of Pathology and Laboratory Medicine, Sinai Health System
Classification: Pathogenic for Carcinoma of colon. Review status: no assertion criteria provided. Collection method: clinical testing. Allele origin: unknown. Affected: yes. Study: The Canadian Open Genetics Repository (COGR).
Comment: The APC p.His1009LeufsX13 variant was not identified in the literature, nor was it identified in dbSNP, the 1000 Genomes Project, the NHLBI Exome Sequencing Project, the Exome Aggregation Consortium, the genome Aggregation Database (beta), GeneInsight COGR, ClinVar, Clinvitae, COSMIC, MutDB, UMD, InSiGHT Colon Cancer Gene Variant Database (LOVD), or the Zhejiang Colon Cancer Database (LOVD). The c.3026delA variant is predicted to cause a frameshift, which alters the protein's amino acid sequence beginning at codon 1009 and leads to a premature stop codon 13 codons downstream. This alteration is then predicted to result in a truncated or absent protein and loss of function. Loss of function variants of the APC gene are an established mechanism of disease in familial adenomatous polyposis and is the type of variant expected to cause the disorder. In summary, based on the above information, this variant meets our laboratoryâ€šÃ„Ã´s criteria to be classified as pathogenic.